The following is an entry in ClinVar:

NM_020937.4(FANCM):c.1123C>T (p.Gln375Ter)

Gene: FANCM (FA complementation group M; plus strand). Cytogenetic location: 14q21.2.
Variant type: single nucleotide variant.
Coding change: c.1123C>T on transcript NM_020937.4 (MANE Select); coding-DNA position 1123, C replaced by T.
Protein change: p.Gln375Ter; replaces glutamine 375 with a stop codon.
Molecular consequence: nonsense.
Genome position (GRCh38, 1-based): chr14:45,153,992, C>T. VCF-style: chr14-45153992-C-T. GRCh37 (hg19) VCF-style: chr14-45623195-C-T.
Other names: c.1045C>T, p.Gln349Ter (NM_001308133.2); c.1123C>T, p.Gln375Ter (NM_001308134.2); short protein forms Q349*, Q375*.
Identifiers: ClinVar variation 2418538 (VCV002418538.6), dbSNP rs1486766153, ClinGen allele CA389590935.
Genomic context (GRCh38, chr14:45,153,992, plus strand): 5'-GGCATAATCGAGGGAGAGTTTGCTATTTGTATTAGTTTATATCATGGTTATGAATTATTG[C>T]AGCAAATGGGAATGAGATCATTATATTTCTTCCTTTGTGGAATTATGGATGGAACTAAAG-3'

ClinVar aggregate classification (germline): Pathogenic (1 of 4 stars; one submission).

Conditions:
Fanconi anemia (FA). Also called: Fanconi's anemia. Identifiers: Orphanet 84, MedGen C0015625, MeSH D005199, MONDO:0019391.

Allele frequency attached by ClinVar (database versions not stated): gnomAD 0.00001.
gnomAD v4.1: 2 of 1,589,834 alleles (0.00013%); highest among the groups gnomAD compares: Non-Finnish European, 0.00017%; no homozygotes.

Submission:

Labcorp Genetics (formerly Invitae), Labcorp
Classification: Pathogenic for Fanconi anemia. Last evaluated: 2022-03-01. Review status: criteria provided, single submitter. Criteria: Invitae Variant Classification Sherloc (09022015). Collection method: clinical testing. Allele origin: germline.
Comment: For these reasons, this variant has been classified as Pathogenic. Algorithms developed to predict the effect of sequence changes on RNA splicing suggest that this variant may disrupt the consensus splice site. This variant has not been reported in the literature in individuals affected with FANCM-related conditions. This variant is not present in population databases (gnomAD no frequency). This sequence change creates a premature translational stop signal (p.Gln375*) in the FANCM gene. It is expected to result in an absent or disrupted protein product. Loss-of-function variants in FANCM are known to be pathogenic (PMID: 29895858, 30075111).

Literature cited by the submitters: PubMed 29895858; PubMed 30075111.